The following is an entry in ClinVar:

NM_001903.5(CTNNA1):c.2230A>C (p.Ser744Arg)

Gene: CTNNA1 (catenin alpha 1; plus strand). Cytogenetic location: 5q31.2.
Variant type: single nucleotide variant.
Coding change: c.2230A>C on transcript NM_001903.5 (MANE Select); coding-DNA position 2230, A replaced by C.
Protein change: p.Ser744Arg; replaces serine 744 with arginine.
Molecular consequence: missense variant.
Genome position (GRCh38, 1-based): chr5:138,930,867, A>C. VCF-style: chr5-138930867-A-C. GRCh37 (hg19) VCF-style: chr5-138266556-A-C.
Other names: c.2230A>C, p.Ser744Arg (NM_001290307.3, NM_001323982.2, NM_001323983.1 and 2 more transcripts); c.1921A>C, p.Ser641Arg (NM_001290309.3); c.1861A>C, p.Ser621Arg (NM_001290310.3); c.1120A>C, p.Ser374Arg (NM_001290312.1, NM_001323987.1, NM_001323988.1 and 17 more transcripts); c.2137A>C, p.Ser713Arg (NM_001323986.2); c.781A>C, p.Ser261Arg (NM_001324006.1, NM_001324007.1, NM_001324008.1 and 2 more transcripts); c.1027A>C, p.Ser343Arg (NM_001324011.1); c.877A>C, p.Ser293Arg (NM_001324012.1, NM_001324013.1); short protein forms S261R, S343R, S374R, S641R, S713R, S293R, S621R, S744R.
Identifiers: ClinVar variation 3498233 (VCV003498233.1).

ClinVar aggregate classification (germline): Uncertain significance (1 of 4 stars; one submission).

Conditions:
Hereditary cancer-predisposing syndrome. Also called: Tumor predisposition; Neoplastic Syndromes, Hereditary; Hereditary Cancer Syndrome; Hereditary neoplastic syndrome. Identifiers: Orphanet 140162, MedGen C0027672, MeSH D009386, MONDO:0015356.

Submission:

Ambry Genetics
Classification: Uncertain significance for Hereditary cancer-predisposing syndrome. Last evaluated: 2024-08-28. Review status: criteria provided, single submitter. Criteria: Ambry Variant Classification Scheme 2023. Collection method: clinical testing. Allele origin: germline.
Comment: The p.S744R variant (also known as c.2230A>C), located in coding exon 15 of the CTNNA1 gene, results from an A to C substitution at nucleotide position 2230. The serine at codon 744 is replaced by arginine, an amino acid with dissimilar properties. This amino acid position is conserved. In addition, the in silico prediction for this alteration is inconclusive. Based on the available evidence, the clinical significance of this variant remains unclear.